The following is an entry in ClinVar:

ClinVar aggregate classification (germline): Uncertain significance (1 of 4 stars; one submission).

Allele frequency attached by ClinVar (database versions not stated): TOPMed 0.00001; gnomAD 0.00002; gnomAD exomes 0.00003; ExAC 0.00007.

Submission:

CeGaT Center for Human Genetics Tuebingen
Classification: Uncertain significance. Last evaluated: 2024-01-01. Review status: criteria provided, single submitter. Criteria: CeGaT Center For Human Genetics Tuebingen Variant Classification Criteria Version 2. Collection method: clinical testing. Allele origin: germline. Affected: yes. Observed: 2 variant alleles.
Comment: NCDN: PP2

NM_014284.3(NCDN):c.860G>A (p.Arg287His)

Gene: NCDN (neurochondrin; plus strand). Cytogenetic location: 1p34.3.
Variant type: single nucleotide variant.
Coding change: c.860G>A on transcript NM_014284.3 (MANE Select); coding-DNA position 860, G replaced by A.
Protein change: p.Arg287His; replaces arginine 287 with histidine.
Molecular consequence: missense variant.
Genome position (GRCh38, 1-based): chr1:35,561,011, G>A. VCF-style: chr1-35561011-G-A. GRCh37 (hg19) VCF-style: chr1-36026612-G-A.
Other names: c.860G>A, p.Arg287His (NM_001014839.2); c.809G>A, p.Arg270His (NM_001014841.2); short protein forms R270H, R287H.
Identifiers: ClinVar variation 2638648 (VCV002638648.24), dbSNP rs766087108, ClinGen allele CA760174.